The following is an entry in ClinVar:

NM_001134363.3(RBM20):c.3176del (p.Pro1059fs)

Gene: RBM20 (RNA binding motif protein 20; plus strand). Cytogenetic location: 10q25.2.
Variant type: Deletion.
Coding change: c.3176del on transcript NM_001134363.3 (MANE Select); coding-DNA position 3176, one base deleted (C; older notation c.3176delC).
Protein change: p.Pro1059fs; shifts the reading frame from proline 1059.
Molecular consequence: frameshift variant.
Genome position (GRCh38, 1-based): chr10:110,821,795, C deleted; the last of 2 consecutive C bases (chr10:110,821,794-110,821,795); deleting either gives the same sequence. VCF-style (leftmost placement, unchanged base first): chr10-110821793-GC-G. GRCh37 (hg19) VCF-style: chr10-112581551-GC-G.
Other names: short protein forms P1059fs.
Identifiers: ClinVar variation 5038072 (VCV005038072.1).
Genomic context (GRCh38, chr10:110,821,793, plus strand): 5'-TCCAGCCCCTACAGTCCAGCAAATGTCTTCCCCTAAGCCAGCAGAGGAGAGGGCCCGGCA[GC>G]CAAGCCCATTTGTGGATGATTGCAAGACCAGGGGGACCCCCGAAGATGGGGCTTGTGAAG-3'

ClinVar aggregate classification (germline): Uncertain significance (1 of 4 stars; one submission).

Conditions:
Dilated cardiomyopathy 1DD (CMD1DD). Identifiers: Orphanet 154, MedGen C2750995, MONDO:0013168, OMIM 613172.

Submission:

MVZ Medizinische Genetik Mainz
Classification: Uncertain significance for Dilated cardiomyopathy 1DD. Last evaluated: 2026-04-23. Review status: criteria provided, single submitter. Criteria: UK Practice Guidelines For Variant Classification V4 01 2020. Collection method: clinical testing. Allele origin: germline. Inheritance: Autosomal dominant inheritance. Affected: yes. Observed: 1 variant allele.
Comment: ACMG Criteria: PVS1_STR,PM2_SUP